The following is an entry in ClinVar:

ClinVar aggregate classification (germline): Uncertain significance (1 of 4 stars; one submission).

Conditions:
Hereditary cancer-predisposing syndrome. Also called: Neoplastic Syndromes, Hereditary; Tumor predisposition; Hereditary neoplastic syndrome; Hereditary Cancer Syndrome. Identifiers: Orphanet 140162, MedGen C0027672, MeSH D009386, MONDO:0015356.

Submission:

Ambry Genetics
Classification: Uncertain significance for Hereditary cancer-predisposing syndrome. Last evaluated: 2024-02-16. Review status: criteria provided, single submitter. Criteria: Ambry Variant Classification Scheme 2023. Collection method: clinical testing. Allele origin: germline.
Comment: The p.A385T variant (also known as c.1153G>A), located in coding exon 12 of the NF2 gene, results from a G to A substitution at nucleotide position 1153. The alanine at codon 385 is replaced by threonine, an amino acid with similar properties. This amino acid position is conserved. In addition, the in silico prediction for this alteration is inconclusive. Based on the available evidence, the clinical significance of this alteration remains unclear.

NM_000268.4(NF2):c.1153G>A (p.Ala385Thr)

Gene: NF2 (NF2, moesin-ezrin-radixin like (MERLIN) tumor suppressor; plus strand). Cytogenetic location: 22q12.2.
Variant type: single nucleotide variant.
Coding change: c.1153G>A on transcript NM_000268.4 (MANE Select); coding-DNA position 1153, G replaced by A.
Protein change: p.Ala385Thr; replaces alanine 385 with threonine.
Molecular consequence: missense variant. On other transcripts: intron variant (1).
Genome position (GRCh38, 1-based): chr22:29,673,299, G>A. VCF-style: chr22-29673299-G-A. GRCh37 (hg19) VCF-style: chr22-30069288-G-A.
Other names: c.1039G>A, p.Ala347Thr (NM_001407053.1, NM_001407056.1); c.1030G>A, p.Ala344Thr (NM_001407054.1, NM_001407058.1, NM_181829.3); c.1027G>A, p.Ala343Thr (NM_001407055.1, NM_181828.3); c.1018G>A, p.Ala340Thr (NM_001407057.1, NM_001407059.1); c.1153G>A, p.Ala385Thr (NM_001407060.1, NM_001407066.1, NM_016418.5 and 2 more transcripts); c.895G>A, p.Ala299Thr (NM_001407062.1); c.904G>A, p.Ala302Thr (NM_001407063.1, NM_001407064.1, NM_181830.3 and 1 more transcripts); c.619G>A, p.Ala207Thr (NM_001407065.1); and 2 more; short protein forms A207T, A299T, A302T, A308T, A340T, A343T, A344T, A347T.
Identifiers: ClinVar variation 3231072 (VCV003231072.1), dbSNP rs2147082361, ClinGen allele CA411148021.